The following is an entry in ClinVar:

NM_020706.2(SCAF4):c.1363C>T (p.Arg455Ter)

Gene: SCAF4 (SR-related CTD associated factor 4; minus strand). Cytogenetic location: 21q22.11.
Variant type: single nucleotide variant.
Coding change: c.1363C>T on transcript NM_020706.2 (MANE Select); coding-DNA position 1363, C replaced by T.
Protein change: p.Arg455Ter; replaces arginine 455 with a stop codon.
Molecular consequence: nonsense.
Genome position (GRCh38, 1-based): chr21:31,693,444, G>A on the plus strand (C>T on the coding strand, the complement: SCAF4 is on the minus strand). VCF-style: chr21-31693444-G-A. GRCh37 (hg19) VCF-style: chr21-33065757-G-A.
Other names: c.1318C>T, p.Arg440Ter (NM_001145444.1); c.1363C>T, p.Arg455Ter (NM_001145445.1); short protein forms R440*, R455*.
Identifiers: ClinVar variation 3371215 (VCV003371215.7).

ClinVar aggregate classification (germline): Conflicting classifications of pathogenicity. Review status: criteria provided, conflicting classifications (1 of 4 stars). 4 submissions from 4 submitters: Likely pathogenic (3); Uncertain significance (1). Last evaluated 2026-02-01.

Conditions:
SCAF4-related disorder. Also called: SCAF4-related condition.
Fliedner-Zweier syndrome (FZS). Identifiers: MedGen C5882693, MONDO:0957787, OMIM 620511.

gnomAD v4.1: 1 of 1,548,096 alleles (0.000065%); highest among the groups gnomAD compares: Admixed American, 0.0017%; no homozygotes.

Submissions (4):

CeGaT Center for Human Genetics Tuebingen
Classification: Likely pathogenic. Last evaluated: 2026-02-01. Review status: criteria provided, single submitter. Criteria: CeGaT Center For Human Genetics Tuebingen Variant Classification Criteria Version 2. Collection method: clinical testing. Allele origin: germline. Affected: yes. Observed: 1 variant allele.
Comment: SCAF4: PVS1, PM2:Supporting

Variantyx, Inc.
Classification: Likely pathogenic for Fliedner-Zweier syndrome. Last evaluated: 2025-03-31. Review status: criteria provided, single submitter. Criteria: Variantyx Assertion Criteria 2022. Collection method: clinical testing. Allele origin: germline. Inheritance: Autosomal dominant inheritance. Affected: yes.
Comment: This is a nonsense variant in the SCAF4 gene (OMIM: 616023). Pathogenic variants in this gene have been associated with autosomal dominant Fliedner-Zweier syndrome. This variant introduces a premature termination codon in exon 12 out of 20 and is expected to result in loss of function, which is a known disease mechanism for SCAF4 in this disorder (PMID: 32730804) (PVS1). This variant has a 0.0024% maximum allele frequency in non-founder control populations (PM2), and it has not been previously reported in individuals with SCAF4-related disorders in the databases available for review. Based on the current evidence, this variant is classified as likely pathogenic for autosomal dominant Fliedner-Zweier syndrome.

GeneDx
Classification: Uncertain significance. Last evaluated: 2024-03-20. Review status: criteria provided, single submitter. Criteria: GeneDx Variant Classification Process June 2021. Collection method: clinical testing. Allele origin: germline. Affected: yes.
Comment: Nonsense variant predicted to result in protein truncation or nonsense mediated decay in a gene for which loss of function is a known mechanism of disease; Has not been previously published as pathogenic or benign to our knowledge

Blueprint Genetics
Classification: Likely pathogenic for SCAF4-related disorders. Last evaluated: 2020-08-14. Review status: criteria provided, single submitter. Criteria: ACMG Guidelines, 2015. Collection method: clinical testing. Allele origin: de novo. Affected: yes. Observed: 2 variant alleles.

Literature cited by the submitters: PubMed 32730804 (cited by Variantyx, Inc.).